The following is an entry in ClinVar:

ClinVar aggregate classification (germline): Conflicting classifications of pathogenicity. Review status: criteria provided, conflicting classifications (1 of 4 stars). 4 submissions from 4 submitters: Uncertain significance (1); Likely benign (3). Last evaluated 2026-01-28.

Conditions:
FG syndrome (FGS). Identifiers: MedGen C0220769, MONDO:0002010.
MED12-Related Disorders. Also called: MED12-related condition; MED12-related disorder. Identifiers: MedGen CN381102.
Familial thoracic aortic aneurysm and aortic dissection (TAAD). Also called: Thoracic aortic aneurysms and dissections. Identifiers: Orphanet 91387, MedGen C4707243, MONDO:0019625.

Allele frequency attached by ClinVar (database versions not stated): gnomAD exomes 0.00001 and 0.00003; TOPMed 0.00003; gnomAD 0.00004.
gnomAD v4.1: 36 of 1,196,336 alleles (0.003%); highest among the groups gnomAD compares: Non-Finnish European, 0.0038%; no homozygotes.

Submissions (4):

PreventionGenetics, part of Exact Sciences
Classification: Likely benign for MED12-related condition. Last evaluated: 2026-01-28. Review status: criteria provided, single submitter. Criteria: ACMG Guidelines, 2015. Collection method: clinical testing. Allele origin: germline.
Comment: This variant is classified as likely benign based on ACMG/AMP sequence variant interpretation guidelines (Richards et al. 2015 PMID: 25741868, with internal and published modifications).

Labcorp Genetics (formerly Invitae), Labcorp
Classification: Likely benign for FG syndrome. Last evaluated: 2025-08-29. Review status: criteria provided, single submitter. Criteria: Invitae Variant Classification Sherloc (09022015). Collection method: clinical testing. Allele origin: germline.

Ambry Genetics
Classification: Likely benign for Familial thoracic aortic aneurysm and aortic dissection. Last evaluated: 2024-11-14. Review status: criteria provided, single submitter. Criteria: Ambry Variant Classification Scheme 2023. Collection method: clinical testing. Allele origin: germline.

CeGaT Center for Human Genetics Tuebingen
Classification: Uncertain significance. Last evaluated: 2023-09-01. Review status: criteria provided, single submitter. Criteria: CeGaT Center For Human Genetics Tuebingen Variant Classification Criteria Version 2. Collection method: clinical testing. Allele origin: germline. Affected: yes. Observed: 1 variant allele.
Comment: MED12: PP2

NM_005120.3(MED12):c.3721A>G (p.Thr1241Ala)

Gene: MED12 (mediator complex subunit 12; plus strand). Cytogenetic location: Xq13.1.
Variant type: single nucleotide variant.
Coding change: c.3721A>G on transcript NM_005120.3 (MANE Select); coding-DNA position 3721, A replaced by G.
Protein change: p.Thr1241Ala; replaces threonine 1241 with alanine.
Molecular consequence: missense variant.
Genome position (GRCh38, 1-based): chrX:71,129,709, A>G. VCF-style: chrX-71129709-A-G. GRCh37 (hg19) VCF-style: chrX-70349559-A-G.
Other names: short protein forms T1241A.
Identifiers: ClinVar variation 659469 (VCV000659469.34), dbSNP rs1028631372, ClinGen allele CA330980599.
Genomic context (GRCh38, chrX:71,129,709, plus strand): 5'-GCCCTCCCTATCTCCCACCCGTGAACCACAGGGGATGCGGAACTGAAAGGTTCAGGCTTC[A>G]CTGTGACAGGAGGAACAGAAGAACTTCCAGAGGAGGAGGGAGGAGGTGGCAGTGGTGGTC-3'
Protein context (NP_005111.2, residues 1231-1251): GDAELKGSGF[Thr1241Ala]VTGGTEELPE